The following is an entry in ClinVar:

ClinVar aggregate classification (germline): Likely pathogenic (1 of 4 stars; one submission).

Conditions:
Dilated cardiomyopathy 1G (CMD1G). Identifiers: Orphanet 154, MedGen C1858763, MONDO:0011400, OMIM 604145.
Autosomal recessive limb-girdle muscular dystrophy type 2J (LGMDR10). Also called: Limb-girdle muscular dystrophy, type 2J; MUSCULAR DYSTROPHY, LIMB-GIRDLE, AUTOSOMAL RECESSIVE 10. Identifiers: Orphanet 140922, MedGen C1837342, MONDO:0012127, OMIM 608807.

Submission:

Labcorp Genetics (formerly Invitae), Labcorp
Classification: Likely pathogenic for Dilated cardiomyopathy 1G; Autosomal recessive limb-girdle muscular dystrophy type 2J. Last evaluated: 2022-11-11. Review status: criteria provided, single submitter. Criteria: Invitae Variant Classification Sherloc (09022015). Collection method: clinical testing. Allele origin: germline.
Comment: In summary, the currently available evidence indicates that the variant is pathogenic, but additional data are needed to prove that conclusively. Therefore, this variant has been classified as Likely Pathogenic. This sequence change creates a premature translational stop signal (p.Asp28181*) in the TTN gene. While this is not anticipated to result in nonsense mediated decay, it is expected to create a truncated TTN protein. This variant is not present in population databases (gnomAD no frequency). This variant has not been reported in the literature in individuals affected with TTN-related conditions. This variant is located in the A band of TTN (PMID: 25589632). Truncating variants in this region are significantly overrepresented in patients affected with dilated cardiomyopathy (PMID: 25589632). Truncating variants in this region have also been reported in individuals affected with autosomal recessive centronuclear myopathy (PMID: 23975875).

Literature cited by the submitters: PubMed 25589632; PubMed 23975875.

NM_001267550.2(TTN):c.84537_84540dup (p.Asp28181Ter)

Genes: TTN-AS1 (TTN antisense RNA 1; plus strand), TTN (titin; minus strand). Cytogenetic location: 2q31.2.
Variant type: Duplication.
Coding change: c.84537_84540dup on transcript NM_001267550.2 (MANE Select); coding-DNA positions 84537 to 84540, 4 bases duplicated (TAAT; older notation c.84537_84540dupTAAT).
Protein change: p.Asp28181Ter; replaces aspartic acid 28181 with a stop codon.
Molecular consequence: nonsense.
Genome position (GRCh38, 1-based): chr2:178,561,592-178,561,595, ATTA duplicated on the plus strand (TAAT on the coding strand, the reverse complement: TTN is on the minus strand); duplicating any 4 consecutive bases within chr2:178,561,592-178,561,596 gives the same sequence; the c. name uses the placement nearest the transcript's 3' end. VCF-style (leftmost placement, unchanged base first): chr2-178561591-C-CATTA. GRCh37 (hg19) VCF-style: chr2-179426318-C-CATTA.
Other names: c.79614_79617dup, p.Asp26540Ter (NM_001256850.1); c.57342_57345dup, p.Asp19116Ter (NM_003319.4); c.76833_76836dup, p.Asp25613Ter (NM_133378.4); c.57717_57720dup, p.Asp19241Ter (NM_133432.3); c.57918_57921dup, p.Asp19308Ter (NM_133437.4); short protein forms D19116*, D19308*, D19241*, D26540*, D28181*, D25613*.
Identifiers: ClinVar variation 2935649 (VCV002935649.3), dbSNP rs2469698057, ClinGen allele CA2740095907.